The following is an entry in ClinVar:

ClinVar aggregate classification (germline): Uncertain significance (1 of 4 stars; one submission).

Conditions:
ANKRD1-related dilated cardiomyopathy. Identifiers: MedGen CN119551.

Allele frequency attached by ClinVar (database versions not stated): gnomAD exomes below 0.00001 and 0.00002; ExAC 0.00001; gnomAD 0.00001.

Submission:

Labcorp Genetics (formerly Invitae), Labcorp
Classification: Uncertain significance for ANKRD1-related dilated cardiomyopathy. Last evaluated: 2025-05-29. Review status: criteria provided, single submitter. Criteria: Invitae Variant Classification Sherloc (09022015). Collection method: clinical testing. Allele origin: germline.
Comment: This sequence change affects the initiator codon of the ANKRD1 mRNA. This change may impact translation initiation or efficiency. The next in-frame methionine is located at codon 2. This variant is present in population databases (rs772918277, gnomAD 0.005%). This variant has not been reported in the literature in individuals affected with ANKRD1-related conditions. ClinVar contains an entry for this variant (Variation ID: 1399465). Experimental studies and prediction algorithms are not available or were not evaluated, and the functional significance of this variant is currently unknown. In summary, the available evidence is currently insufficient to determine the role of this variant in disease. Therefore, it has been classified as a Variant of Uncertain Significance.

NM_014391.3(ANKRD1):c.1A>G (p.Met1Val)

Gene: ANKRD1 (ankyrin repeat domain 1; minus strand). Cytogenetic location: 10q23.31.
Variant type: single nucleotide variant.
Coding change: c.1A>G on transcript NM_014391.3 (MANE Select); coding-DNA position 1, A replaced by G.
Protein change: p.Met1Val; changes the start codon (methionine 1).
Molecular consequence: missense variant, initiator codon variant.
Genome position (GRCh38, 1-based): chr10:90,921,027, T>C on the plus strand (A>G on the coding strand, the complement: ANKRD1 is on the minus strand). VCF-style: chr10-90921027-T-C. GRCh37 (hg19) VCF-style: chr10-92680784-T-C.
Other names: short protein forms M1V.
Identifiers: ClinVar variation 1399465 (VCV001399465.8), dbSNP rs772918277, ClinGen allele CA5598884.
Genomic context (GRCh38, chr10:90,921,027, plus strand): 5'-TTTTCATTTTATAAAATTAATGCATCTTACATACCAGTTCCTCTACTTTCAGTACCATCA[T>C]GTTGGCTGAAGGAGTCTTGTATGTTTTTCTGTCGTGGAAGGAATCCCTGGAGTTGGCCCT-3'
Protein context (NP_055206.2, residues 1-11): [Met1Val]MVLKVEELVT